The following is an entry in ClinVar:

ClinVar aggregate classification (germline): Benign (1 of 4 stars; one submission).

Allele frequency attached by ClinVar (database versions not stated): ESP Exome Variant Server 0.11994; gnomAD exomes 0.13120; gnomAD 0.13363; TOPMed 0.14210; ExAC 0.15089; 1000 Genomes Project 30x 0.15319; 1000 Genomes Project 0.15535.

Submission:

Unidad de Genómica Garrahan, Hospital de Pediatría Garrahan
Classification: Benign. Last evaluated: 2024-01-24. Review status: criteria provided, single submitter. Criteria: ACMG Guidelines, 2015. Collection method: clinical testing. Allele origin: germline. Affected: no. Observed: 43 variant alleles.
Comment: This variant is classified as Benign based on local population frequency. This variant was detected in 45% of patients studied by a panel of primary immunodeficiencies. Number of patients: 43. Only high quality variants are reported.

NM_001144958.2(CRACR2A):c.292G>A (p.Ala98Thr)

Gene: CRACR2A (calcium release activated channel regulator 2A; minus strand). Cytogenetic location: 12p13.32.
Variant type: single nucleotide variant.
Coding change: c.292G>A on transcript NM_001144958.2 (MANE Select); coding-DNA position 292, G replaced by A.
Protein change: p.Ala98Thr; replaces alanine 98 with threonine.
Molecular consequence: missense variant.
Genome position (GRCh38, 1-based): chr12:3,680,286, C>T on the plus strand (G>A on the coding strand, the complement: CRACR2A is on the minus strand). VCF-style: chr12-3680286-C-T. GRCh37 (hg19) VCF-style: chr12-3789452-C-T.
Other names: c.292G>A, p.Ala98Thr (NM_032680.4); short protein forms A98T.
Identifiers: ClinVar variation 2688142 (VCV002688142.2), dbSNP rs17836273, ClinGen allele CA6394748.
Genomic context (GRCh38, chr12:3,680,286, plus strand): 5'-ATCAGAACTTACTAAATCCAGTAGTGAACTCCTGTGGGGTCAGATAGCCATTGCCATCAG[C>T]ATCCAGGGCATCAAACACATCCTCCAGTTCCTCCAGGCTGAGCGGTAGCTCCTTATGCAG-3'
Protein context (NP_001138430.1, residues 88-108): ELEDVFDALD[Ala98Thr]DGNGYLTPQE